The following is an entry in ClinVar:

NM_001903.5(CTNNA1):c.2193-5C>G

Gene: CTNNA1 (catenin alpha 1; plus strand). Cytogenetic location: 5q31.2.
Variant type: single nucleotide variant.
Coding change: c.2193-5C>G on transcript NM_001903.5 (MANE Select); 5 bases into the intron before coding-DNA position 2193, C replaced by G.
Molecular consequence: intron variant.
Genome position (GRCh38, 1-based): chr5:138,930,825, C>G. VCF-style: chr5-138930825-C-G. GRCh37 (hg19) VCF-style: chr5-138266514-C-G.
Other names: c.2193-5C>G (NM_001323982.2, NM_001323984.2, NM_001290307.3 and 3 more transcripts); c.2100-5C>G (NM_001323986.2); c.1824-5C>G (NM_001290310.3); c.1884-5C>G (NM_001290309.3); c.1083-5C>G (NM_001323996.1, NM_001323993.1, NM_001324005.1 and 17 more transcripts); c.744-5C>G (NM_001324007.1, NM_001324009.1, NM_001324006.1 and 2 more transcripts); c.840-5C>G (NM_001324013.1, NM_001324012.1); c.990-5C>G (NM_001324011.1).
Identifiers: ClinVar variation 1479386 (VCV001479386.9), dbSNP rs1765145158, ClinGen allele CA1586088077.

ClinVar aggregate classification (germline): Conflicting classifications of pathogenicity. Review status: criteria provided, conflicting classifications (1 of 4 stars). 2 submissions from 2 submitters: Uncertain significance (1); Likely benign (1). Last evaluated 2024-10-12.

Conditions:
Hereditary cancer-predisposing syndrome. Also called: Tumor predisposition; Hereditary Cancer Syndrome; Hereditary neoplastic syndrome; Neoplastic Syndromes, Hereditary. Identifiers: Orphanet 140162, MedGen C0027672, MeSH D009386, MONDO:0015356.

Allele frequency attached by ClinVar (database versions not stated): TOPMed below 0.00001.

Submissions (2):

Ambry Genetics
Classification: Uncertain significance for Hereditary cancer-predisposing syndrome. Last evaluated: 2024-10-12. Review status: criteria provided, single submitter. Criteria: Ambry Variant Classification Scheme 2023. Collection method: clinical testing. Allele origin: germline.
Comment: The c.2193-5C>G intronic variant results from a C to G substitution 5 nucleotides upstream from coding exon 15 in the CTNNA1 gene. This nucleotide position is poorly conserved in available vertebrate species. In silico splice site analysis predicts that this alteration will not have any significant effect on splicing. The evidence for this gene-disease relationship is limited; therefore, the clinical significance of this alteration is unclear.

Labcorp Genetics (formerly Invitae), Labcorp
Classification: Likely benign. Last evaluated: 2024-05-08. Review status: criteria provided, single submitter. Criteria: Invitae Variant Classification Sherloc (09022015). Collection method: clinical testing. Allele origin: germline.